The following is an entry in ClinVar:

ClinVar aggregate classification (germline): Uncertain significance (1 of 4 stars; one submission).

Submission:

Dasa
Classification: Uncertain significance. Last evaluated: 2025-04-30. Review status: criteria provided, single submitter. Criteria: DASA Assertion Criteria. Collection method: clinical testing. Allele origin: germline.
Comment: NM_004484.4(GPC3):c.77C>T (p.Pro26Leu) is a missense variant that results in the substitution of proline with leucine. This variant is absent from population databases. Computational prediction algorithms are consistent with a benign effect. The currently available literature and clinical evidence are not sufficient to establish a definitive association between this variant and the reported condition. Therefore, this variant is classified as a variant of uncertain significance.

NM_004484.4(GPC3):c.77C>T (p.Pro26Leu)

Gene: GPC3 (glypican 3; minus strand). Cytogenetic location: Xq26.2.
Variant type: single nucleotide variant.
Coding change: c.77C>T on transcript NM_004484.4 (MANE Select); coding-DNA position 77, C replaced by T.
Protein change: p.Pro26Leu; replaces proline 26 with leucine.
Molecular consequence: missense variant.
Genome position (GRCh38, 1-based): chrX:133,985,373, G>A on the plus strand (C>T on the coding strand, the complement: GPC3 is on the minus strand). VCF-style: chrX-133985373-G-A. GRCh37 (hg19) VCF-style: chrX-133119400-G-A.
Other names: c.77C>T, p.Pro26Leu (NM_001164617.2, NM_001164618.2, NM_001164619.2); short protein forms P26L.
Identifiers: ClinVar variation 4882404 (VCV004882404.2).